The following is an entry in ClinVar:

ClinVar aggregate classification (germline): Uncertain significance (1 of 4 stars; one submission).

Allele frequency attached by ClinVar (database versions not stated): gnomAD exomes below 0.00001; TOPMed below 0.00001.

Submission:

Labcorp Genetics (formerly Invitae), Labcorp
Classification: Uncertain significance. Last evaluated: 2022-02-28. Review status: criteria provided, single submitter. Criteria: Invitae Variant Classification Sherloc (09022015). Collection method: clinical testing. Allele origin: germline.
Comment: This sequence change replaces proline, which is neutral and non-polar, with threonine, which is neutral and polar, at codon 1310 of the COL11A1 protein (p.Pro1310Thr). This variant is not present in population databases (gnomAD no frequency). This variant has not been reported in the literature in individuals affected with COL11A1-related conditions. Advanced modeling of protein sequence and biophysical properties (such as structural, functional, and spatial information, amino acid conservation, physicochemical variation, residue mobility, and thermodynamic stability) performed at Invitae indicates that this missense variant is not expected to disrupt COL11A1 protein function. In summary, the available evidence is currently insufficient to determine the role of this variant in disease. Therefore, it has been classified as a Variant of Uncertain Significance.

NM_001854.4(COL11A1):c.3928C>A (p.Pro1310Thr)

Gene: COL11A1 (collagen type XI alpha 1 chain; minus strand). Cytogenetic location: 1p21.1.
Variant type: single nucleotide variant.
Coding change: c.3928C>A on transcript NM_001854.4 (MANE Select); coding-DNA position 3928, C replaced by A.
Protein change: p.Pro1310Thr; replaces proline 1310 with threonine.
Molecular consequence: missense variant. On other transcripts: non-coding transcript variant (1).
Genome position (GRCh38, 1-based): chr1:102,914,402, G>T on the plus strand (C>A on the coding strand, the complement: COL11A1 is on the minus strand). VCF-style: chr1-102914402-G-T. GRCh37 (hg19) VCF-style: chr1-103379958-G-T.
Other names: c.3580C>A, p.Pro1194Thr (NM_001168249.1, NM_080630.4); c.3811C>A, p.Pro1271Thr (NM_001190709.2); c.3964C>A, p.Pro1322Thr (NM_080629.3); short protein forms P1310T, P1194T, P1271T, P1322T.
Identifiers: ClinVar variation 1935421 (VCV001935421.5), dbSNP rs1475841795, ClinGen allele CA341161051.
Genomic context (GRCh38, chr1:102,914,402, plus strand): 5'-TGATACTTACTGCAGGGCCAGGTTCCCCAGGAGGACCAGGATCTCCAGGAAAACCAACAG[G>T]ACCCTAGAATGACGTTTTGAAAGAAAAAGAAATAAATGAAAAATAAATTTTTATAAAATT-3'
Protein context (NP_001845.3, residues 1300-1320): GDDGPKGNPG[Pro1310Thr]VGFPGDPGPP